The following is an entry in ClinVar:

NM_000166.6(GJB1):c.85T>C (p.Phe29Leu)

Gene: GJB1 (gap junction protein beta 1; plus strand). Cytogenetic location: Xq13.1.
Variant type: single nucleotide variant.
Coding change: c.85T>C on transcript NM_000166.6 (MANE Select); coding-DNA position 85, T replaced by C.
Protein change: p.Phe29Leu; replaces phenylalanine 29 with leucine.
Molecular consequence: missense variant.
Genome position (GRCh38, 1-based): chrX:71,223,792, T>C. VCF-style: chrX-71223792-T-C. GRCh37 (hg19) VCF-style: chrX-70443642-T-C.
Other names: c.85T>C, p.Phe29Leu (NM_001097642.3); short protein forms F29L.
Identifiers: ClinVar variation 637427 (VCV000637427.3), dbSNP rs1602348703, ClinGen allele CA413500833.

ClinVar aggregate classification (germline): Uncertain significance. Review status: criteria provided, single submitter (1 of 4 stars). 2 submissions from 2 submitters: Uncertain significance (1). 1 of the submissions does not count toward it. Last evaluated 2024-08-28.

Conditions:
Charcot-Marie-Tooth disease. Also called: Charcot-Marie-Tooth Hereditary Neuropathy; Charcot-Marie-Tooth Neuropathy. Identifiers: Orphanet 166, MedGen C0007959, MONDO:0015626.
Charcot-Marie-Tooth Neuropathy X. Identifiers: MedGen CN118851.

Submissions (2):

Labcorp Genetics (formerly Invitae), Labcorp
Classification: Uncertain significance for Charcot-Marie-Tooth Neuropathy X. Last evaluated: 2024-08-28. Review status: criteria provided, single submitter. Criteria: Invitae Variant Classification Sherloc (09022015). Collection method: clinical testing. Allele origin: germline.
Comment: This sequence change replaces phenylalanine, which is neutral and non-polar, with leucine, which is neutral and non-polar, at codon 29 of the GJB1 protein (p.Phe29Leu). This variant is not present in population databases (gnomAD no frequency). This variant has not been reported in the literature in individuals affected with GJB1-related conditions. ClinVar contains an entry for this variant (Variation ID: 637427). Invitae Evidence Modeling of protein sequence and biophysical properties (such as structural, functional, and spatial information, amino acid conservation, physicochemical variation, residue mobility, and thermodynamic stability) indicates that this missense variant is not expected to disrupt GJB1 protein function with a negative predictive value of 80%. In summary, the available evidence is currently insufficient to determine the role of this variant in disease. Therefore, it has been classified as a Variant of Uncertain Significance.

Inherited Neuropathy Consortium
Classification: Uncertain significance for Charcot-Marie-Tooth disease. Review status: no assertion criteria provided. Collection method: literature only. Allele origin: germline. Affected: yes. Not counted in ClinVar's aggregate classification.

Literature cited by the submitters: PubMed 9361298 (cited by Inherited Neuropathy Consortium).